The following is an entry in ClinVar:

ClinVar aggregate classification (germline): Pathogenic. Review status: reviewed by expert panel (3 of 4 stars). 4 submissions from 4 submitters: Pathogenic (1). 3 of the submissions do not count toward it. Last evaluated 2017-12-15.

Conditions:
Breast-ovarian cancer, familial, susceptibility to, 1 (BROVCA1). Also called: BRCA1 Hereditary Breast and Ovarian Cancer; OVARIAN CANCER, SUSCEPTIBILITY TO. Identifiers: Orphanet 145, MedGen C2676676, MONDO:0011450, OMIM 604370. Disease mechanism: loss of function.
Hereditary breast ovarian cancer syndrome. Also called: BRCA1- and BRCA2-Associated Hereditary Breast and Ovarian Cancer; Hereditary breast and ovarian cancer syndrome; Hereditary breast and ovarian cancer syndrome (HBOC); Breast and ovarian cancer; Hereditary breast and/or ovarian cancer syndrome; Hereditary breast and ovarian cancer. Identifiers: Orphanet 145, MedGen C0677776, MeSH D061325, MONDO:0003582. Disease mechanism: loss of function.
Familial cancer of breast. Also called: hereditary breast carcinoma; BREAST CANCER, FAMILIAL; Hereditary breast cancer. Identifiers: Orphanet 227535, MedGen C0346153, MONDO:0016419, OMIM 114480. Disease mechanism: loss of function.

Submissions (4):

Evidence-based Network for the Interpretation of Germline Mutant Alleles (ENIGMA)
Classification: Pathogenic for Breast-ovarian cancer, familial, susceptibility to, 1. Last evaluated: 2017-12-15. Review status: reviewed by expert panel. Criteria: ENIGMA BRCA1/2 Classification Criteria (2017-06-29). Collection method: curation. Allele origin: germline. Study: ENIGMA.
Comment: Variant allele predicted to encode a truncated non-functional protein.

Labcorp Genetics (formerly Invitae), Labcorp
Classification: Pathogenic for Hereditary breast ovarian cancer syndrome. Last evaluated: 2022-07-11. Review status: criteria provided, single submitter. Criteria: Invitae Variant Classification Sherloc (09022015). Collection method: clinical testing. Allele origin: germline. Not counted in ClinVar's aggregate classification.
Comment: For these reasons, this variant has been classified as Pathogenic. ClinVar contains an entry for this variant (Variation ID: 55232). This premature translational stop signal has been observed in individual(s) with breast and/or ovarian cancer (PMID: 21232165). This variant is not present in population databases (gnomAD no frequency). This sequence change creates a premature translational stop signal (p.Ser153Cysfs*5) in the BRCA1 gene. It is expected to result in an absent or disrupted protein product. Loss-of-function variants in BRCA1 are known to be pathogenic (PMID: 20104584).

Department of Molecular Diagnostics, Institute of Oncology Ljubljana
Classification: Pathogenic for Breast-ovarian cancer, familial, susceptibility to, 1. Last evaluated: 2020-04-02. Review status: criteria provided, single submitter. Criteria: ACMG Guidelines, 2015. Collection method: clinical testing. Allele origin: germline. Affected: yes. Not counted in ClinVar's aggregate classification.

ClinVar Staff, National Center for Biotechnology Information (NCBI)
No classification provided. Condition: Familial cancer of breast. Review status: no classification provided. Collection method: literature only. Allele origin: germline. Affected: yes. Not counted in ClinVar's aggregate classification.

Literature cited by the submitters: PubMed 21232165 (cited by Labcorp Genetics (formerly Invitae), Labcorp and ClinVar Staff, National Center for Biotechnology Information (NCBI)); PubMed 20104584 (cited by Labcorp Genetics (formerly Invitae), Labcorp).

NM_007294.4(BRCA1):c.457_458del (p.Ser153fs)

Gene: BRCA1 (BRCA1 DNA repair associated; minus strand). Cytogenetic location: 17q21.31.
Variant type: Deletion.
Coding change: c.457_458del on transcript NM_007294.4 (MANE Select); coding-DNA positions 457 to 458, 2 bases deleted (AG; older notation c.457_458delAG).
Protein change: p.Ser153fs; shifts the reading frame from serine 153.
Molecular consequence: frameshift variant. On other transcripts: non-coding transcript variant (1).
Genome position (GRCh38, 1-based): chr17:43,099,864-43,099,865, CT deleted on the plus strand (AG on the coding strand, the reverse complement: BRCA1 is on the minus strand). VCF-style (leftmost placement, unchanged base first): chr17-43099863-ACT-A. GRCh37 (hg19) VCF-style: chr17-41251880-ACT-A.
Other names: c.316_317delAG, p.Ser106Cysfs (NM_001407920.1, NM_001407921.1, NM_001407922.1 and 60 more transcripts); c.313_314delAG, p.Ser105Cysfs (NM_001407930.1, NM_001407931.1, NM_001407932.1 and 35 more transcripts); c.457_458delAG, p.Ser153Cysfs (NM_001407937.1, NM_001407938.1, NM_001407939.1 and 95 more transcripts); c.454_455delAG, p.Ser152Cysfs (NM_001407940.1, NM_001407941.1, NM_001407972.1 and 65 more transcripts); c.247_248delAG, p.Ser83Cysfs (NM_001407946.1, NM_001407947.1, NM_001407948.1 and 37 more transcripts); c.244_245delAG, p.Ser82Cysfs (NM_001407954.1, NM_001407955.1, NM_001407956.1 and 18 more transcripts); c.76_77delAG, p.Ser26Cysfs (NM_001407959.1, NM_001407960.1, NM_001407963.1 and 3 more transcripts); c.73_74delAG, p.Ser25Cysfs (NM_001407962.1); and 6 more; short protein forms S153fs, S106fs.
Identifiers: ClinVar variation 55232 (VCV000055232.12), dbSNP rs397509185, ClinGen allele CA002908.